The following is an entry in ClinVar:

NM_181426.2(CCDC39):c.436del (p.Trp146fs)

Gene: CCDC39 (coiled-coil domain 39 molecular ruler complex subunit; minus strand). Cytogenetic location: 3q26.33.
Variant type: Deletion.
Coding change: c.436del on transcript NM_181426.2 (MANE Select); coding-DNA position 436, one base deleted (T; older notation c.436delT).
Protein change: p.Trp146fs; shifts the reading frame from tryptophan 146.
Molecular consequence: frameshift variant.
Genome position (GRCh38, 1-based): chr3:180,660,650, A deleted on the plus strand (T on the coding strand, the reverse complement: CCDC39 is on the minus strand). VCF-style (leftmost placement, unchanged base first): chr3-180660649-CA-C. GRCh37 (hg19) VCF-style: chr3-180378437-CA-C.
Other names: c.436delT (NM_181426.2); short protein forms W146fs.
Identifiers: ClinVar variation 1344601 (VCV001344601.6), dbSNP rs2108429507, ClinGen allele CA2573136796.

ClinVar aggregate classification (germline): Pathogenic. Review status: criteria provided, single submitter (1 of 4 stars). 2 submissions from 2 submitters: Pathogenic (1). 1 of the submissions does not count toward it. Last evaluated 2021-09-17.

Conditions:
Primary ciliary dyskinesia. Also called: Ciliary dyskinesia. Identifiers: Orphanet 244, MedGen C0008780, MONDO:0016575, HP:0012265.

Submissions (2):

Labcorp Genetics (formerly Invitae), Labcorp
Classification: Pathogenic for Primary ciliary dyskinesia. Last evaluated: 2021-09-17. Review status: criteria provided, single submitter. Criteria: Invitae Variant Classification Sherloc (09022015). Collection method: clinical testing. Allele origin: germline.
Comment: This sequence change creates a premature translational stop signal (p.Trp146Glyfs*2) in the CCDC39 gene. It is expected to result in an absent or disrupted protein product. Loss-of-function variants in CCDC39 are known to be pathogenic (PMID: 21131972, 23255504). This variant is not present in population databases (ExAC no frequency). This premature translational stop signal has been observed in individual(s) with primary ciliary dyskinesia (PMID: 30067075). For these reasons, this variant has been classified as Pathogenic.

Yale Center for Mendelian Genomics, Yale University
Classification: Likely pathogenic for Primary ciliary dyskinesia. Last evaluated: 2018-08-01. Review status: no assertion criteria provided. Collection method: literature only. Allele origin: germline. Affected: yes. Observed: 1 compound heterozygote. Study: Yale Center for Mendelian Genomics. Not counted in ClinVar's aggregate classification.

Literature cited by the submitters: PubMed 21131972 (cited by Labcorp Genetics (formerly Invitae), Labcorp); PubMed 23255504 (cited by Labcorp Genetics (formerly Invitae), Labcorp); PubMed 30067075 (cited by Labcorp Genetics (formerly Invitae), Labcorp and Yale Center for Mendelian Genomics, Yale University).